The following is an entry in ClinVar:

ClinVar aggregate classification (germline): Uncertain significance. Review status: criteria provided, multiple submitters, no conflicts (2 of 4 stars). 2 submissions from 2 submitters: Uncertain significance (2). Last evaluated 2022-04-07.

Conditions:
Hereditary sensory and autonomic neuropathy type 6. Also called: HSAN VI; Neuropathy, hereditary sensory and autonomic, type VI. Identifiers: Orphanet 314381, MedGen C3539003, MONDO:0013839, OMIM 614653.
Epidermolysis bullosa simplex 3, localized or generalized intermediate, with BP230 deficiency (EBS3). Also called: Epidermolysis bullosa simplex due to BP230 deficiency; Epidermolysis bullosa simplex, autosomal recessive 2. Identifiers: Orphanet 412181, MedGen C3809470, MONDO:0014180, OMIM 615425.
Inborn genetic diseases. Identifiers: MedGen C0950123, MeSH D030342.

Allele frequency attached by ClinVar (database versions not stated): TOPMed 0.00005; ESP Exome Variant Server 0.00008; 1000 Genomes Project 30x 0.00016; 1000 Genomes Project 0.00020; gnomAD exomes 0.00001; ExAC 0.00002; gnomAD 0.00004.
gnomAD v4.1: 16 of 1,604,584 alleles (0.001%); highest among the groups gnomAD compares: African/African-American, 0.015%; no homozygotes.

Submissions (2):

Labcorp Genetics (formerly Invitae), Labcorp
Classification: Uncertain significance for Epidermolysis bullosa simplex 3, localized or generalized intermediate, with BP230 deficiency; Hereditary sensory and autonomic neuropathy type 6. Last evaluated: 2022-04-07. Review status: criteria provided, single submitter. Criteria: Invitae Variant Classification Sherloc (09022015). Collection method: clinical testing. Allele origin: germline.
Comment: This sequence change replaces isoleucine, which is neutral and non-polar, with valine, which is neutral and non-polar, at codon 657 of the DST protein (p.Ile657Val). This variant is present in population databases (rs367873602, gnomAD 0.008%). This variant has not been reported in the literature in individuals affected with DST-related conditions. ClinVar contains an entry for this variant (Variation ID: 1060990). Algorithms developed to predict the effect of missense changes on protein structure and function output the following: SIFT: "Tolerated"; PolyPhen-2: "Benign"; Align-GVGD: "Class C0". The valine amino acid residue is found in multiple mammalian species, which suggests that this missense change does not adversely affect protein function. In summary, the available evidence is currently insufficient to determine the role of this variant in disease. Therefore, it has been classified as a Variant of Uncertain Significance.

Ambry Genetics
Classification: Uncertain significance for Inborn genetic diseases. Last evaluated: 2020-09-09. Review status: criteria provided, single submitter. Criteria: Ambry Variant Classification Scheme 2023. Collection method: clinical testing. Allele origin: germline.
Comment: The p.I1161V variant (also known as c.3481A>G), located in coding exon 26 of the DST gene, results from an A to G substitution at nucleotide position 3481. The isoleucine at codon 1161 is replaced by valine, an amino acid with highly similar properties. This amino acid position is not well conserved in available vertebrate species, and valine is the reference amino acid in other vertebrate species. In addition, this alteration is predicted to be tolerated by in silico analysis. Since supporting evidence is limited at this time, the clinical significance of this alteration remains unclear.

NM_001374736.1(DST):c.3580A>G (p.Ile1194Val)

Gene: DST (dystonin; minus strand). Cytogenetic location: 6p12.1.
Variant type: single nucleotide variant.
Coding change: c.3580A>G on transcript NM_001374736.1 (MANE Select); coding-DNA position 3580, A replaced by G.
Protein change: p.Ile1194Val; replaces isoleucine 1194 with valine.
Molecular consequence: missense variant.
Genome position (GRCh38, 1-based): chr6:56,634,173, T>C on the plus strand (A>G on the coding strand, the complement: DST is on the minus strand). VCF-style: chr6-56634173-T-C. GRCh37 (hg19) VCF-style: chr6-56498971-T-C.
Other names: c.3481A>G, p.Ile1161Val (NM_001144769.5); c.3067A>G, p.Ile1023Val (NM_001144770.2); c.3580A>G, p.Ile1194Val (NM_001374722.1); c.2947A>G, p.Ile983Val (NM_001374729.1, NM_001374730.1, NM_001386100.1 and 1 more transcripts); c.3607A>G, p.Ile1203Val (NM_001374734.1); c.1969A>G, p.Ile657Val (NM_001723.7, NM_015548.5); short protein forms I1023V, I1161V, I1194V, I1203V, I657V, I983V.
Identifiers: ClinVar variation 1060990 (VCV001060990.11), dbSNP rs367873602, ClinGen allele CA3871127.
Genomic context (GRCh38, chr6:56,634,173, plus strand): 5'-CATACAGATTCATACTTACTGAAGCCACATTGCTAGCTCGAATTCTATCAATTTCATTGA[T>C]GAGATAATGCCAGGATACTACACTCTTCATGTTTATGTGAGACTCATGCCAAAGAGTCAG-3'
Protein context (NP_001361665.1, residues 1184-1204): MKSVVSWHYL[Ile1194Val]NEIDRIRASN